The following is an entry in ClinVar:

NM_001128205.2(SULF1):c.1861C>G (p.Leu621Val)

Gene: SULF1 (sulfatase 1; plus strand). Cytogenetic location: 8q13.3.
Variant type: single nucleotide variant.
Coding change: c.1861C>G on transcript NM_001128205.2 (MANE Select); coding-DNA position 1861, C replaced by G.
Protein change: p.Leu621Val; replaces leucine 621 with valine.
Molecular consequence: missense variant. On other transcripts: non-coding transcript variant (7).
Genome position (GRCh38, 1-based): chr8:69,627,220, C>G. VCF-style: chr8-69627220-C-G. GRCh37 (hg19) VCF-style: chr8-70539455-C-G.
Other names: c.1861C>G, p.Leu621Val (NM_001128204.2, NM_001128206.2, NM_001412828.1 and 10 more transcripts); c.1732C>G, p.Leu578Val (NM_001412832.1, NM_001412838.1, NM_001412839.1 and 1 more transcripts); c.1804C>G, p.Leu602Val (NM_001412836.1, NM_001412837.1); c.1675C>G, p.Leu559Val (NM_001412841.1, NM_001412842.1); c.1261C>G, p.Leu421Val (NM_001412844.1, NM_001412845.1); c.70C>G, p.Leu24Val (NM_001412846.1); short protein forms L559V, L621V, L24V, L578V, L602V, L421V.
Identifiers: ClinVar variation 2605310 (VCV002605310.3), dbSNP rs758226671, ClinGen allele CA4775994.

ClinVar aggregate classification (germline): Uncertain significance. Review status: criteria provided, multiple submitters, no conflicts (2 of 4 stars). 2 submissions from 2 submitters: Uncertain significance (2). Last evaluated 2025-09-13.

Allele frequency attached by ClinVar (database versions not stated): ExAC 0.00001.
gnomAD v4.1: 15 of 1,613,806 alleles (0.00093%); highest among the groups gnomAD compares: Non-Finnish European, 0.001%; no homozygotes.

Submissions (2):

Labcorp Genetics (formerly Invitae), Labcorp
Classification: Uncertain significance. Last evaluated: 2025-09-13. Review status: criteria provided, single submitter. Criteria: Invitae Variant Classification Sherloc (09022015). Collection method: clinical testing. Allele origin: germline.
Comment: This sequence change replaces leucine, which is neutral and non-polar, with valine, which is neutral and non-polar, at codon 621 of the SULF1 protein (p.Leu621Val). This variant is present in population databases (rs758226671, gnomAD 0.0009%). This variant has not been reported in the literature in individuals affected with SULF1-related conditions. ClinVar contains an entry for this variant (Variation ID: 2605310). An algorithm developed to predict the effect of missense changes on protein structure and function (PolyPhen-2) suggests that this variant is likely to be disruptive. In summary, the available evidence is currently insufficient to determine the role of this variant in disease. Therefore, it has been classified as a Variant of Uncertain Significance.

Ambry Genetics
Classification: Uncertain significance. Last evaluated: 2023-06-22. Review status: criteria provided, single submitter. Criteria: Ambry Variant Classification Scheme 2023. Collection method: clinical testing. Allele origin: germline.